The following is an entry in ClinVar:

ClinVar aggregate classification (germline): Uncertain significance (1 of 4 stars; one submission).

gnomAD v4.1: 3 of 1,612,272 alleles (0.00019%); highest among the groups gnomAD compares: Non-Finnish European, 0.00017%; no homozygotes.

Submission:

Women's Health and Genetics/Laboratory Corporation of America, LabCorp
Classification: Uncertain significance. Last evaluated: 2026-01-02. Review status: criteria provided, single submitter. Criteria: LabCorp Variant Classification Summary - May 2015. Collection method: clinical testing. Allele origin: germline.
Comment: Variant summary: DYNC2H1 c.7981C>T (p.Arg2661Cys) results in a non-conservative amino acid change in the encoded protein sequence. Algorithms developed to predict the effect of missense changes on protein structure and function are either unavailable or do not agree on the potential impact of this missense change. The variant was absent in 248446 control chromosomes. The available data on variant occurrences in the general population are insufficient to allow any conclusion about variant significance. c.7981C>T has been observed in a compound heterozgyous individual affected with Asphyxiating thoracic dysplasia (Baujat_2013). These data do not allow any conclusion about variant significance. To our knowledge, no experimental evidence demonstrating an impact on protein function has been reported. No submitters have cited clinical-significance assessments for this variant to ClinVar. The following publication has been ascertained in the context of this evaluation (PMID: 23339108). Based on the evidence outlined above, the variant was classified as uncertain significance.

Literature cited by the submitters: PubMed 23339108.

NM_001377.3(DYNC2H1):c.7981C>T (p.Arg2661Cys)

Gene: DYNC2H1 (dynein cytoplasmic 2 heavy chain 1; plus strand). Cytogenetic location: 11q22.3.
Variant type: single nucleotide variant.
Coding change: c.7981C>T on transcript NM_001377.3 (MANE Select); coding-DNA position 7981, C replaced by T.
Protein change: p.Arg2661Cys; replaces arginine 2661 with cysteine.
Molecular consequence: missense variant.
Genome position (GRCh38, 1-based): chr11:103,199,369, C>T. VCF-style: chr11-103199369-C-T. GRCh37 (hg19) VCF-style: chr11-103070098-C-T.
Other names: c.7981C>T, p.Arg2661Cys (NM_001080463.2); short protein forms R2661C.
Identifiers: ClinVar variation 4689697 (VCV004689697.1).
Genomic context (GRCh38, chr11:103,199,369, plus strand): 5'-GATAGAGTGCTGAGTTTCCCTGGAGGTTCACTTCTATTAGCAGGACGCAGTGGTGTAGGT[C>T]GTCGGACCATCACTTCTTTAGTCAGTCACATGCATGGAGCGGTCCTGTTTTCTCCAAAGA-3'
Protein context (NP_001368.2, residues 2651-2671): LLLAGRSGVG[Arg2661Cys]RTITSLVSHM